The following is an entry in ClinVar:

ClinVar aggregate classification (germline): Pathogenic (1 of 4 stars; one submission).

Submission:

Ambry Genetics
Classification: Pathogenic. Last evaluated: 2026-05-28. Review status: criteria provided, single submitter. Criteria: Ambry Variant Classification Scheme 2023. Collection method: clinical testing. Allele origin: germline.
Comment: The c.2790dupA pathogenic mutation, located in coding exon 1 of the MLH3 gene, results from a duplication of A at nucleotide position 2790, causing a translational frameshift with a predicted alternate stop codon (p.E931Rfs*15). This variant is considered to be rare based on population cohorts in the Genome Aggregation Database (gnomAD). This alteration is expected to result in loss of function by premature protein truncation or nonsense-mediated mRNA decay. As such, this alteration is interpreted as a disease-causing mutation.

NM_001040108.2(MLH3):c.2790dup (p.Glu931fs)

Gene: MLH3 (mutL homolog 3; minus strand). Cytogenetic location: 14q24.3.
Variant type: Duplication.
Coding change: c.2790dup on transcript NM_001040108.2 (MANE Select); coding-DNA position 2790, one base duplicated (A; older notation c.2790dupA).
Protein change: p.Glu931fs; shifts the reading frame from glutamic acid 931.
Molecular consequence: frameshift variant.
Genome position (GRCh38, 1-based): chr14:75,046,866, T duplicated on the plus strand (A on the coding strand, the reverse complement: MLH3 is on the minus strand). VCF-style (leftmost placement, unchanged base first): chr14-75046865-C-CT. GRCh37 (hg19) VCF-style: chr14-75513568-C-CT.
Other names: c.2790dup, p.Glu931fs (NM_014381.3); c.2790dupA (NM_001040108.1); short protein forms E931fs.
Identifiers: ClinVar variation 4055443 (VCV004055443.2).